The following is an entry in ClinVar:

ClinVar aggregate classification (germline): Uncertain significance (1 of 4 stars; one submission).

Allele frequency attached by ClinVar (database versions not stated): gnomAD exomes 0.00001; gnomAD 0.00001.
gnomAD v4.1: 4 of 1,209,751 alleles (0.00033%); highest among the groups gnomAD compares: Non-Finnish European, 0.00045%; no homozygotes.

Submission:

GeneDx
Classification: Uncertain significance. Last evaluated: 2020-01-10. Review status: criteria provided, single submitter. Criteria: GeneDx Variant Classification Process June 2021. Collection method: clinical testing. Allele origin: germline. Affected: yes.
Comment: Not observed at a significant frequency in large population cohorts (Lek et al., 2016); In silico analysis, which includes protein predictors and evolutionary conservation, supports a deleterious effect; Has not been previously published as pathogenic or benign to our knowledge

NM_005676.5(RBM10):c.1895C>T (p.Pro632Leu)

Gene: RBM10 (RNA binding motif protein 10; plus strand). Cytogenetic location: Xp11.3.
Variant type: single nucleotide variant.
Coding change: c.1895C>T on transcript NM_005676.5 (MANE Select); coding-DNA position 1895, C replaced by T.
Protein change: p.Pro632Leu; replaces proline 632 with leucine.
Molecular consequence: missense variant.
Genome position (GRCh38, 1-based): chrX:47,182,271, C>T. VCF-style: chrX-47182271-C-T. GRCh37 (hg19) VCF-style: chrX-47041670-C-T.
Other names: c.1664C>T, p.Pro555Leu (NM_001204466.2); c.1892C>T, p.Pro631Leu (NM_001204467.2); c.2090C>T, p.Pro697Leu (NM_001204468.2); c.1661C>T, p.Pro554Leu (NM_152856.3); short protein forms P554L, P555L, P631L, P632L, P697L.
Identifiers: ClinVar variation 1215838 (VCV001215838.3), dbSNP rs200120271, ClinGen allele CA412804069.